The following is an entry in ClinVar:

NM_024537.4(CARS2):c.231C>G (p.Ser77Arg)

Gene: CARS2 (cysteinyl-tRNA synthetase 2, mitochondrial; minus strand). Cytogenetic location: 13q34.
Variant type: single nucleotide variant.
Coding change: c.231C>G on transcript NM_024537.4 (MANE Select); coding-DNA position 231, C replaced by G.
Protein change: p.Ser77Arg; replaces serine 77 with arginine.
Molecular consequence: missense variant. On other transcripts: non-coding transcript variant (2), 5 prime UTR variant (1).
Genome position (GRCh38, 1-based): chr13:110,705,565, G>C on the plus strand (C>G on the coding strand, the complement: CARS2 is on the minus strand). VCF-style: chr13-110705565-G-C. GRCh37 (hg19) VCF-style: chr13-111357912-G-C.
Other names: c.-769C>G (NM_001352252.2); c.231C>G, p.Ser77Arg (NM_001352253.3); short protein forms S77R.
Identifiers: ClinVar variation 4882893 (VCV004882893.2).

ClinVar aggregate classification (germline): Uncertain significance (1 of 4 stars; one submission).

gnomAD v4.1: 1 of 1,612,634 alleles (0.000062%); highest among the groups gnomAD compares: Non-Finnish European, 0.000085%; no homozygotes.

Submission:

Dasa
Classification: Uncertain significance. Last evaluated: 2025-01-20. Review status: criteria provided, single submitter. Criteria: DASA Assertion Criteria. Collection method: clinical testing. Allele origin: germline.
Comment: NM_024537.4(CARS2):c.231C>G (p.Ser77Arg) is a missense variant that results in the substitution of serine with arginine. This variant is rare in population databases. Computational prediction algorithms are consistent with a benign effect. The currently available literature and clinical evidence are not sufficient to establish a definitive association between this variant and the reported condition. Therefore, this variant is classified as a variant of uncertain significance.